The following is an entry in ClinVar:

NM_017636.4(TRPM4):c.2119C>T (p.Leu707Phe)

Gene: TRPM4 (transient receptor potential cation channel subfamily M member 4; plus strand). Cytogenetic location: 19q13.33.
Variant type: single nucleotide variant.
Coding change: c.2119C>T on transcript NM_017636.4 (MANE Select); coding-DNA position 2119, C replaced by T.
Protein change: p.Leu707Phe; replaces leucine 707 with phenylalanine.
Molecular consequence: missense variant.
Genome position (GRCh38, 1-based): chr19:49,190,307, C>T. VCF-style: chr19-49190307-C-T. GRCh37 (hg19) VCF-style: chr19-49693564-C-T.
Other names: c.2119C>T, p.Leu707Phe (NM_001195227.2); c.1774C>T, p.Leu592Phe (NM_001321281.2); c.511C>T, p.Leu171Phe (NM_001321282.2); c.1597C>T, p.Leu533Phe (NM_001321283.2); c.1057C>T, p.Leu353Phe (NM_001321285.2); short protein forms L171F, L353F, L592F, L533F, L707F.
Identifiers: ClinVar variation 2973651 (VCV002973651.3), dbSNP rs1460921264, ClinGen allele CA406805530.
Genomic context (GRCh38, chr19:49,190,307, plus strand): 5'-ACTACACCCATCTGGGCCCTGGTTCTCGCCTTCTTTTGCCCTCCACTCATCTACACCCGC[C>T]TCATCACCTTCAGGTCAGTACCCTGGGGTGAGAGTGGTGGGGATGGGGGCGGGGTGCTCA-3'
Protein context (NP_060106.2, residues 697-717): FFCPPLIYTR[Leu707Phe]ITFRKSEEEP

ClinVar aggregate classification (germline): Uncertain significance (1 of 4 stars; one submission).

Conditions:
Progressive familial heart block type IB (PFHB1B). Identifiers: Orphanet 871, MedGen C1970298, MONDO:0011474, OMIM 604559.

Allele frequency attached by ClinVar (database versions not stated): gnomAD exomes below 0.00001; TOPMed below 0.00001; gnomAD 0.00001.
gnomAD v4.1: 5 of 1,614,096 alleles (0.00031%); highest among the groups gnomAD compares: East Asian, 0.0022%; no homozygotes.

Submission:

Labcorp Genetics (formerly Invitae), Labcorp
Classification: Uncertain significance for Progressive familial heart block type IB. Last evaluated: 2024-01-01. Review status: criteria provided, single submitter. Criteria: Invitae Variant Classification Sherloc (09022015). Collection method: clinical testing. Allele origin: germline.
Comment: This sequence change replaces leucine, which is neutral and non-polar, with phenylalanine, which is neutral and non-polar, at codon 707 of the TRPM4 protein (p.Leu707Phe). This variant is not present in population databases (gnomAD no frequency). This variant has not been reported in the literature in individuals affected with TRPM4-related conditions. An algorithm developed to predict the effect of missense changes on protein structure and function (PolyPhen-2) suggests that this variant is likely to be tolerated. In summary, the available evidence is currently insufficient to determine the role of this variant in disease. Therefore, it has been classified as a Variant of Uncertain Significance.